The following is an entry in ClinVar:

ClinVar aggregate classification (germline): Pathogenic/Likely pathogenic. Review status: criteria provided, multiple submitters, no conflicts (2 of 4 stars). 8 submissions from 8 submitters: Pathogenic (4); Likely pathogenic (2). 2 of the submissions do not count toward it. Last evaluated 2026-01-12.

Conditions:
Niemann-Pick disease, type C1. Also called: NEUROVISCERAL STORAGE DISEASE WITH VERTICAL SUPRANUCLEAR OPHTHALMOPLEGIA; NIEMANN-PICK DISEASE WITH CHOLESTEROL ESTERIFICATION BLOCK; NIEMANN-PICK DISEASE WITHOUT SPHINGOMYELINASE DEFICIENCY; NIEMANN-PICK DISEASE, CHRONIC NEURONOPATHIC FORM; NIEMANN-PICK DISEASE, VARIANT TYPE C1. Identifiers: Orphanet 646, MedGen C3179455, MONDO:0009757, OMIM 257220.

Allele frequency attached by ClinVar (database versions not stated): gnomAD exomes below 0.00001.
gnomAD v4.1: 2 of 1,614,062 alleles (0.00012%); highest among the groups gnomAD compares: South Asian, 0.0022%; no homozygotes.

Submissions (8):

3billion
Classification: Pathogenic for Niemann-Pick disease, type C1. Last evaluated: 2026-01-12. Review status: criteria provided, single submitter. Criteria: ACMG Guidelines, 2015. Collection method: clinical testing. Allele origin: germline. Affected: yes.
Comment: The variant is observed at an extremely low frequency in the gnomAD v4.1.0 dataset (total allele frequency: <0.001%). Predicted Consequence/Location: Missense variant Functional studies provide moderate evidence of the variant having a damaging effect on the gene or gene product (PMID: 11333381). In silico tool predictions suggest damaging effect of the variant on gene or gene product [REVEL: 0.94 (>=0.6, sensitivity 0.68 and specificity 0.92); 3Cnet: 0.98 (> 0.75, sensitivity 0.96 and precision 0.92)]. The same nucleotide change resulting in the same amino acid change has been previously reported as pathogenic/likely pathogenic with strong evidence (ClinVar ID: VCV000502274 /PMID: 11333381 /3billion dataset). The variant has been reported to be in trans with a pathogenic variant as either compound heterozygous or homozygous in at least one similarly affected unrelated individual (PMID: 11333381, 26666848). A different missense change at the same codon (p.Cys1168Gly) has been reported to be associated with NPC1-related disorder (ClinVar ID: VCV002697225). Therefore, this variant is classified as Pathogenic according to the recommendation of ACMG/AMP guideline.

First Genomix Gene Laboratory, Genetic Diagnostics Department
Classification: Pathogenic for Niemann-Pick disease, type C1. Last evaluated: 2025-08-26. Review status: criteria provided, single submitter. Criteria: ACMG Guidelines, 2015. Collection method: clinical testing. Allele origin: germline. Inheritance: Autosomal recessive inheritance. Affected: no. Observed: 1 variant allele.

Rare Diseases Genetics and Genomics, Islamia College Peshawar
Classification: Pathogenic for Niemann-Pick disease, type C1. Last evaluated: 2024-07-12. Review status: criteria provided, single submitter. Criteria: ACMG Guidelines, 2015. Collection method: research. Allele origin: germline. Inheritance: Autosomal recessive inheritance. Affected: yes. Observed: 2 variant alleles, 2 homozygotes.

Labcorp Genetics (formerly Invitae), Labcorp
Classification: Likely pathogenic for Niemann-Pick disease, type C1. Last evaluated: 2023-02-24. Review status: criteria provided, single submitter. Criteria: Invitae Variant Classification Sherloc (09022015). Collection method: clinical testing. Allele origin: germline.
Comment: In summary, the currently available evidence indicates that the variant is pathogenic, but additional data are needed to prove that conclusively. Therefore, this variant has been classified as Likely Pathogenic. Experimental studies have shown that this missense change affects NPC1 function (PMID: 30923329). Advanced modeling of protein sequence and biophysical properties (such as structural, functional, and spatial information, amino acid conservation, physicochemical variation, residue mobility, and thermodynamic stability) performed at Invitae indicates that this missense variant is expected to disrupt NPC1 protein function. ClinVar contains an entry for this variant (Variation ID: 502274). This missense change has been observed in individual(s) with Niemann-Pick disease type C (PMID: 11333381, 26666848). This variant is not present in population databases (gnomAD no frequency). This sequence change replaces cysteine, which is neutral and slightly polar, with tyrosine, which is neutral and polar, at codon 1168 of the NPC1 protein (p.Cys1168Tyr).

Eurofins Ntd Llc (ga)
Classification: Likely pathogenic. Last evaluated: 2017-06-01. Review status: criteria provided, single submitter. Criteria: EGL Classification Definitions 2015. Collection method: clinical testing. Allele origin: germline. Observed: 1 variant allele, 1 heterozygote.

CENTOGENE GmbH and LLC - Guiding Precision Medicine
Classification: Pathogenic for Niemann-Pick disease type C1. Review status: criteria provided, single submitter. Criteria: ACMG Guidelines, 2015. Collection method: clinical testing. Allele origin: germline. Affected: yes.

Counsyl
Classification: Likely pathogenic for Niemann-Pick disease, type C1. Last evaluated: 2017-12-27. Review status: no assertion criteria provided. Collection method: clinical testing. Allele origin: unknown. Not counted in ClinVar's aggregate classification.

Hong-Tao Li Lab, Institute of Brain Science and Brain-inspired Research, Shandong First Medical University & Shandong Academy of Medical Sciences China
Classification: Pathogenic for Niemann-Pick disease, type C1. Review status: no assertion criteria provided. Collection method: research. Allele origin: germline. Inheritance: Autosomal recessive inheritance. Affected: yes. Observed: 1 variant allele, 1 homozygote. Not counted in ClinVar's aggregate classification.
Comment: Observed in affected individuals from a Pakistani neurodevelopmental-disorder research cohort of 263 individuals. Classification assigned using the ACMG/AMP framework.

Literature cited by the submitters: PubMed 11333381 (cited by 3 submitters); PubMed 26666848 (cited by 3 submitters); PubMed 30923329 (cited by Labcorp Genetics (formerly Invitae), Labcorp); PubMed 17160617 (cited by Counsyl); PubMed 27238017 (cited by Counsyl); PubMed 15465421 (cited by Counsyl); PubMed 12955717 (cited by Counsyl).

NM_000271.5(NPC1):c.3503G>A (p.Cys1168Tyr)

Gene: NPC1 (NPC intracellular cholesterol transporter 1; minus strand). Cytogenetic location: 18q11.2.
Variant type: single nucleotide variant.
Coding change: c.3503G>A on transcript NM_000271.5 (MANE Select); coding-DNA position 3503, G replaced by A.
Protein change: p.Cys1168Tyr; replaces cysteine 1168 with tyrosine.
Molecular consequence: missense variant.
Genome position (GRCh38, 1-based): chr18:23,534,534, C>T on the plus strand (G>A on the coding strand, the complement: NPC1 is on the minus strand). VCF-style: chr18-23534534-C-T. GRCh37 (hg19) VCF-style: chr18-21114498-C-T.
Other names: short protein forms C1168Y.
Identifiers: ClinVar variation 502274 (VCV000502274.22), dbSNP rs1555631998, ClinGen allele CA401791045.